The following is an entry in ClinVar:

NM_001853.4(COL9A3):c.105_113del (p.33PPG[2])

Gene: COL9A3 (collagen type IX alpha 3 chain; plus strand). Cytogenetic location: 20q13.33.
Variant type: Deletion.
Coding change: c.105_113del on transcript NM_001853.4 (MANE Select); coding-DNA positions 105 to 113, 9 bases deleted (CCCCCCAGG; older notation c.105_113delCCCCCCAGG).
Protein change: p.33PPG[2].
Genome position (GRCh38, 1-based): chr20:62,817,593-62,817,601, CCCCCCAGG deleted; deleting any 9 consecutive bases within chr20:62,817,591-62,817,601 gives the same sequence; the c. name uses the placement nearest the transcript's 3' end. VCF-style (leftmost placement, unchanged base first): chr20-62817590-CGGCCCCCCA-C. GRCh37 (hg19) VCF-style: chr20-61448942-CGGCCCCCCA-C.
Identifiers: ClinVar variation 3383489 (VCV003383489.1).
Genomic context (GRCh38, chr20:62,817,590, plus strand): 5'-GGCACCTGCGCTCCTTAATGAGTTTTCTCCGTTTCAGAGAGTGGGACTCCCCGGCCCCCC[CGGCCCCCCA>C]GGGCCGCCCGGGAAGCCCGGCCAGGACGGCATTGACGTGAGTTTGGGGGTGGGGAGGGCC-3'

ClinVar aggregate classification (germline): Uncertain significance (1 of 4 stars; one submission).

Submission:

GeneDx
Classification: Uncertain significance. Last evaluated: 2024-05-31. Review status: criteria provided, single submitter. Criteria: GeneDx Variant Classification Process June 2021. Collection method: clinical testing. Allele origin: germline. Affected: yes.
Comment: Has not been previously published as pathogenic or benign to our knowledge; Not observed at significant frequency in large population cohorts (gnomAD); In-frame deletion of 3 amino acids in a non-repeat region; In silico analysis supports a deleterious effect on protein structure/function